The following is an entry in ClinVar:

NM_020921.4(NIN):c.4735-16_4735-12del

Gene: NIN (ninein; minus strand). Cytogenetic location: 14q22.1.
Variant type: Deletion.
Coding change: c.4735-16_4735-12del on transcript NM_020921.4 (MANE Select); 16 bases into the intron before coding-DNA position 4735 through 12 bases into the intron before coding-DNA position 4735, 5 bases deleted (TTTTA; older notation c.4735-16_4735-12delTTTTA).
Molecular consequence: intron variant.
Genome position (GRCh38, 1-based): chr14:50,752,745-50,752,749, TAAAA deleted on the plus strand (TTTTA on the coding strand, the reverse complement: NIN is on the minus strand); deleting any 5 consecutive bases within chr14:50,752,745-50,752,752 gives the same sequence; the c. name uses the placement nearest the transcript's 3' end. VCF-style (leftmost placement, unchanged base first): chr14-50752744-TTAAAA-T. GRCh37 (hg19) VCF-style: chr14-51219462-TTAAAA-T.
Other names: c.2596-16_2596-12del (NM_016350.5); c.4735-16_4735-12del (NM_182946.2, NM_182944.3).
Identifiers: ClinVar variation 4761149 (VCV004761149.1).

ClinVar aggregate classification (germline): Uncertain significance (1 of 4 stars; one submission).

Submission:

Labcorp Genetics (formerly Invitae), Labcorp
Classification: Uncertain significance. Last evaluated: 2025-07-06. Review status: criteria provided, single submitter. Criteria: Invitae Variant Classification Sherloc (09022015). Collection method: clinical testing. Allele origin: germline.
Comment: This sequence change falls in intron 20 of the NIN gene. It does not directly change the encoded amino acid sequence of the NIN protein. This variant is present in population databases (rs763194642, gnomAD 0.01%). This variant has not been reported in the literature in individuals affected with NIN-related conditions. Algorithms developed to predict the effect of sequence changes on RNA splicing suggest that this variant may disrupt the consensus splice site. In summary, the available evidence is currently insufficient to determine the role of this variant in disease. Therefore, it has been classified as a Variant of Uncertain Significance.